The following is an entry in ClinVar:

ClinVar aggregate classification (germline): Uncertain significance (1 of 4 stars; one submission).

Allele frequency attached by ClinVar (database versions not stated): gnomAD 0.00001; ExAC 0.00002; TOPMed 0.00002.
gnomAD v4.1: 13 of 1,613,950 alleles (0.00081%); highest among the groups gnomAD compares: East Asian, 0.0045%; no homozygotes.

Submission:

Labcorp Genetics (formerly Invitae), Labcorp
Classification: Uncertain significance. Last evaluated: 2024-12-16. Review status: criteria provided, single submitter. Criteria: Invitae Variant Classification Sherloc (09022015). Collection method: clinical testing. Allele origin: germline.
Comment: This sequence change replaces arginine, which is basic and polar, with glutamine, which is neutral and polar, at codon 181 of the CRAT protein (p.Arg181Gln). This variant is present in population databases (rs768159322, gnomAD 0.01%). This variant has not been reported in the literature in individuals affected with CRAT-related conditions. ClinVar contains an entry for this variant (Variation ID: 1915908). Invitae Evidence Modeling of protein sequence and biophysical properties (such as structural, functional, and spatial information, amino acid conservation, physicochemical variation, residue mobility, and thermodynamic stability) has been performed for this missense variant. However, the output from this modeling did not meet the statistical confidence thresholds required to predict the impact of this variant on CRAT protein function. Algorithms developed to predict the effect of sequence changes on RNA splicing suggest that this variant may create or strengthen a splice site. In summary, the available evidence is currently insufficient to determine the role of this variant in disease. Therefore, it has been classified as a Variant of Uncertain Significance.

NM_000755.5(CRAT):c.542G>A (p.Arg181Gln)

Gene: CRAT (carnitine O-acetyltransferase; minus strand). Cytogenetic location: 9q34.11.
Variant type: single nucleotide variant.
Coding change: c.542G>A on transcript NM_000755.5 (MANE Select); coding-DNA position 542, G replaced by A.
Protein change: p.Arg181Gln; replaces arginine 181 with glutamine.
Molecular consequence: missense variant.
Genome position (GRCh38, 1-based): chr9:129,102,488, C>T on the plus strand (G>A on the coding strand, the complement: CRAT is on the minus strand). VCF-style: chr9-129102488-C-T. GRCh37 (hg19) VCF-style: chr9-131864767-C-T.
Other names: c.479G>A, p.Arg160Gln (NM_001257363.3, NM_001346548.2, NM_004003.4); c.545G>A, p.Arg182Gln (NM_001346546.2); c.542G>A, p.Arg181Gln (NM_001346547.2); c.422G>A, p.Arg141Gln (NM_001346549.2); short protein forms R141Q, R182Q, R181Q, R160Q.
Identifiers: ClinVar variation 1915908 (VCV001915908.5), dbSNP rs768159322, ClinGen allele CA5275705.